The following is an entry in ClinVar:

NM_001283009.2(RTEL1):c.1844C>A (p.Thr615Asn)

Genes: RTEL1 (regulator of telomere elongation helicase 1; plus strand), RTEL1-TNFRSF6B (RTEL1-TNFRSF6B readthrough (NMD candidate); plus strand). Cytogenetic location: 20q13.33.
Variant type: single nucleotide variant.
Coding change: c.1844C>A on transcript NM_001283009.2 (MANE Select); coding-DNA position 1844, C replaced by A.
Protein change: p.Thr615Asn; replaces threonine 615 with asparagine.
Molecular consequence: missense variant. On other transcripts: non-coding transcript variant (1).
Genome position (GRCh38, 1-based): chr20:63,689,098, C>A. VCF-style: chr20-63689098-C-A. GRCh37 (hg19) VCF-style: chr20-62320451-C-A.
Other names: c.1175C>A, p.Thr392Asn (NM_001283010.1); c.1844C>A, p.Thr615Asn (NM_016434.4); c.1916C>A, p.Thr639Asn (NM_032957.5); short protein forms T615N, T639N, T392N.
Identifiers: ClinVar variation 3948491 (VCV003948491.1).

ClinVar aggregate classification (germline): Uncertain significance (1 of 4 stars; one submission).

Conditions:
Inborn genetic diseases. Identifiers: MedGen C0950123, MeSH D030342.

Submission:

Ambry Genetics
Classification: Uncertain significance for Inborn genetic diseases. Last evaluated: 2025-06-13. Review status: criteria provided, single submitter. Criteria: Ambry Variant Classification Scheme 2023. Collection method: clinical testing. Allele origin: germline.
Comment: The p.T615N variant (also known as c.1844C>A), located in coding exon 21 of the RTEL1 gene, results from a C to A substitution at nucleotide position 1844. The threonine at codon 615 is replaced by asparagine, an amino acid with similar properties. This amino acid position is conserved. In addition, this alteration is predicted to be tolerated by in silico analysis. Based on the available evidence, the clinical significance of this variant remains unclear.